The following is an entry in ClinVar:

NM_001466.4(FZD2):c.122C>G (p.Pro41Arg)

Gene: FZD2 (frizzled class receptor 2; plus strand). Cytogenetic location: 17q21.31.
Variant type: single nucleotide variant.
Coding change: c.122C>G on transcript NM_001466.4 (MANE Select); coding-DNA position 122, C replaced by G.
Protein change: p.Pro41Arg; replaces proline 41 with arginine.
Molecular consequence: missense variant.
Genome position (GRCh38, 1-based): chr17:44,557,810, C>G. VCF-style: chr17-44557810-C-G. GRCh37 (hg19) VCF-style: chr17-42635178-C-G.
Other names: short protein forms P41R.
Identifiers: ClinVar variation 4746244 (VCV004746244.1).

ClinVar aggregate classification (germline): Uncertain significance (1 of 4 stars; one submission).

gnomAD v4.1: 3 of 1,613,964 alleles (0.00019%); highest among the groups gnomAD compares: Non-Finnish European, 0.00025%; no homozygotes.

Submission:

Labcorp Genetics (formerly Invitae), Labcorp
Classification: Uncertain significance. Last evaluated: 2025-11-08. Review status: criteria provided, single submitter. Criteria: Invitae Variant Classification Sherloc (09022015). Collection method: clinical testing. Allele origin: germline.
Comment: This sequence change replaces proline, which is neutral and non-polar, with arginine, which is basic and polar, at codon 41 of the FZD2 protein (p.Pro41Arg). This variant is not present in population databases (gnomAD no frequency). This variant has not been reported in the literature in individuals affected with FZD2-related conditions. Invitae Evidence Modeling of protein sequence and biophysical properties (such as structural, functional, and spatial information, amino acid conservation, physicochemical variation, residue mobility, and thermodynamic stability) indicates that this missense variant is not expected to disrupt FZD2 protein function with a negative predictive value of 80%. In summary, the available evidence is currently insufficient to determine the role of this variant in disease. Therefore, it has been classified as a Variant of Uncertain Significance.